The following is an entry in ClinVar:

NM_000548.5(TSC2):c.5069-6C>T

Gene: TSC2 (TSC complex subunit 2; plus strand). Cytogenetic location: 16p13.3.
Variant type: single nucleotide variant.
Coding change: c.5069-6C>T on transcript NM_000548.5 (MANE Select); 6 bases into the intron before coding-DNA position 5069, C replaced by T.
Molecular consequence: intron variant.
Genome position (GRCh38, 1-based): chr16:2,088,042, C>T. VCF-style: chr16-2088042-C-T. GRCh37 (hg19) VCF-style: chr16-2138043-C-T.
Other names: c.5000-6C>T (NM_001114382.3); c.4940-6C>T (NM_021055.3, NM_001370405.1); c.4871-6C>T (NM_001363528.2); c.4937-6C>T (NM_001370404.1); c.4868-6C>T (NM_001077183.3); c.4760-6C>T (NM_001318827.2); c.4337-6C>T (NM_001318831.2); c.4724-6C>T (NM_001318829.2); and 1 more.
Identifiers: ClinVar variation 574670 (VCV000574670.10), dbSNP rs1212112210, ClinGen allele CA620705116.

ClinVar aggregate classification (germline): Likely benign. Review status: criteria provided, multiple submitters, no conflicts (2 of 4 stars). 2 submissions from 2 submitters: Likely benign (2). Last evaluated 2026-01-18.

Conditions:
Tuberous sclerosis 2 (TSC2). Identifiers: Orphanet 805, MedGen C1860707, MONDO:0013199, OMIM 613254.

Allele frequency attached by ClinVar (database versions not stated): gnomAD exomes below 0.00001.
gnomAD v4.1: 6 of 1,612,584 alleles (0.00037%); highest among the groups gnomAD compares: East Asian, 0.0022%; no homozygotes.

Submissions (2):

Labcorp Genetics (formerly Invitae), Labcorp
Classification: Likely benign for Tuberous sclerosis 2. Last evaluated: 2026-01-18. Review status: criteria provided, single submitter. Criteria: Invitae Variant Classification Sherloc (09022015). Collection method: clinical testing. Allele origin: germline.

Myriad Genetics, Inc.
Classification: Likely benign for Tuberous sclerosis 2. Last evaluated: 2025-06-06. Review status: criteria provided, single submitter. Criteria: Myriad Autosomal Dominant, Autosomal Recessive and X-Linked Classification Criteria (2023). Collection method: clinical testing. Allele origin: unknown.
Comment: This variant is considered likely benign. This variant is intronic and is not expected to impact mRNA splicing.